The following is an entry in ClinVar:

ClinVar aggregate classification (germline): Uncertain significance. Review status: criteria provided, multiple submitters, no conflicts (2 of 4 stars). 4 submissions from 4 submitters: Uncertain significance (4). Last evaluated 2026-08-01.

Conditions:
Deficiency of hydroxymethylglutaryl-CoA lyase (HMGCLD). Also called: Defect in leucine metabolism; 3-hydroxy-3-methylglutaric aciduria; HMG-CoA LYASE DEFICIENCY; HMGCL DEFICIENCY; HYDROXYMETHYLGLUTARIC ACIDURIA. Identifiers: Orphanet 20, MedGen C1533587, MONDO:0009520, OMIM 246450.
Inborn genetic diseases. Identifiers: MedGen C0950123, MeSH D030342.

Allele frequency attached by ClinVar (database versions not stated): ExAC 0.00004; gnomAD 0.00010; gnomAD exomes 0.00015; ESP Exome Variant Server 0.00015; TOPMed 0.00010.
gnomAD v4.1: 231 of 1,613,422 alleles (0.014%); highest among the groups gnomAD compares: Non-Finnish European, 0.018%; no homozygotes.

Submissions (4):

GeneDx
Classification: Uncertain significance. Last evaluated: 2026-08-01. Review status: criteria provided, single submitter. Criteria: GeneDx Variant Classification Process June 2021. Collection method: clinical testing. Allele origin: germline.
Comment: In silico analysis supports that this missense variant has a deleterious effect on protein structure/function; Has not been previously published as pathogenic or benign to our knowledge

Labcorp Genetics (formerly Invitae), Labcorp
Classification: Uncertain significance for Deficiency of hydroxymethylglutaryl-CoA lyase. Last evaluated: 2024-10-08. Review status: criteria provided, single submitter. Criteria: Invitae Variant Classification Sherloc (09022015). Collection method: clinical testing. Allele origin: germline.
Comment: This sequence change replaces aspartic acid, which is acidic and polar, with glycine, which is neutral and non-polar, at codon 61 of the HMGCL protein (p.Asp61Gly). This variant is present in population databases (rs143981931, gnomAD 0.02%). This variant has not been reported in the literature in individuals affected with HMGCL-related conditions. ClinVar contains an entry for this variant (Variation ID: 1935885). Invitae Evidence Modeling of protein sequence and biophysical properties (such as structural, functional, and spatial information, amino acid conservation, physicochemical variation, residue mobility, and thermodynamic stability) indicates that this missense variant is not expected to disrupt HMGCL protein function with a negative predictive value of 80%. In summary, the available evidence is currently insufficient to determine the role of this variant in disease. Therefore, it has been classified as a Variant of Uncertain Significance.

Ambry Genetics
Classification: Uncertain significance for Inborn genetic diseases. Last evaluated: 2024-01-03. Review status: criteria provided, single submitter. Criteria: Ambry Variant Classification Scheme 2023. Collection method: clinical testing. Allele origin: germline.

Genome-Nilou Lab
Classification: Uncertain significance for Deficiency of hydroxymethylglutaryl-CoA lyase. Last evaluated: 2023-04-11. Review status: criteria provided, single submitter. Criteria: ACMG Guidelines, 2015. Collection method: clinical testing. Allele origin: germline. Affected: no.

NM_000191.3(HMGCL):c.182A>G (p.Asp61Gly)

Gene: HMGCL (3-hydroxy-3-methylglutaryl-CoA lyase; minus strand). Cytogenetic location: 1p36.11.
Variant type: single nucleotide variant.
Coding change: c.182A>G on transcript NM_000191.3 (MANE Select); coding-DNA position 182, A replaced by G.
Protein change: p.Asp61Gly; replaces aspartic acid 61 with glycine.
Molecular consequence: missense variant.
Genome position (GRCh38, 1-based): chr1:23,817,546, T>C on the plus strand (A>G on the coding strand, the complement: HMGCL is on the minus strand). VCF-style: chr1-23817546-T-C. GRCh37 (hg19) VCF-style: chr1-24144036-T-C.
Other names: c.182A>G (NM_000191.2); c.182A>G, p.Asp61Gly (NM_001166059.2); short protein forms D61G.
Identifiers: ClinVar variation 1935885 (VCV001935885.7), dbSNP rs143981931, ClinGen allele CA686169.